The following is an entry in ClinVar:

ClinVar aggregate classification (germline): Likely benign (0 of 4 stars; one submission).

Conditions:
VPS13D-related disorder. Also called: VPS13D-related condition.

Allele frequency attached by ClinVar (database versions not stated): gnomAD exomes below 0.00001; gnomAD 0.00005; TOPMed 0.00006; ESP Exome Variant Server 0.00008.
gnomAD v4.1: 16 of 1,614,082 alleles (0.00099%); highest among the groups gnomAD compares: Admixed American, 0.012%; no homozygotes.

Submission:

PreventionGenetics, part of Exact Sciences
Classification: Likely benign for VPS13D-related condition. Last evaluated: 2019-08-16. Review status: no assertion criteria provided. Collection method: clinical testing. Allele origin: germline.
Comment: This variant is classified as likely benign based on ACMG/AMP sequence variant interpretation guidelines (Richards et al. 2015 PMID: 25741868, with internal and published modifications).

NM_015378.4(VPS13D):c.3843G>A (p.Glu1281=)

Gene: VPS13D (vacuolar protein sorting 13 homolog D; plus strand). Cytogenetic location: 1p36.22.
Variant type: single nucleotide variant.
Coding change: c.3843G>A on transcript NM_015378.4 (MANE Select); coding-DNA position 3843, G replaced by A.
Protein change: p.Glu1281=; no amino-acid change (glutamic acid 1281 retained).
Molecular consequence: synonymous variant.
Genome position (GRCh38, 1-based): chr1:12,277,431, G>A. VCF-style: chr1-12277431-G-A. GRCh37 (hg19) VCF-style: chr1-12337488-G-A.
Other names: c.3843G>A, p.Glu1281= (NM_018156.4).
Identifiers: ClinVar variation 3053107 (VCV003053107.2), dbSNP rs149784933, ClinGen allele CA18042985.